The following is an entry in ClinVar:

ClinVar aggregate classification (germline): Uncertain significance (1 of 4 stars; one submission).

Conditions:
FANCM-related disorder. Also called: FANCM-related condition.

Allele frequency attached by ClinVar (database versions not stated): gnomAD exomes below 0.00001; ExAC 0.00001.
gnomAD v4.1: 1 of 1,611,892 alleles (0.000062%); highest among the groups gnomAD compares: South Asian, 0.0011%; no homozygotes.

Submission:

PreventionGenetics, part of Exact Sciences
Classification: Uncertain significance for FANCM-related condition. Last evaluated: 2023-08-01. Review status: criteria provided, single submitter. Criteria: ACMG Guidelines, 2015. Collection method: clinical testing. Allele origin: germline.
Comment: The FANCM c.2130T>G variant is predicted to result in the amino acid substitution p.Phe710Leu. To our knowledge, this variant has not been reported in the literature. This variant is reported in 0.0033% of alleles in individuals of South Asian descent in gnomAD. At this time, the clinical significance of this variant is uncertain due to the absence of conclusive functional and genetic evidence.

NM_020937.4(FANCM):c.2130T>G (p.Phe710Leu)

Gene: FANCM (FA complementation group M; plus strand). Cytogenetic location: 14q21.2.
Variant type: single nucleotide variant.
Coding change: c.2130T>G on transcript NM_020937.4 (MANE Select); coding-DNA position 2130, T replaced by G.
Protein change: p.Phe710Leu; replaces phenylalanine 710 with leucine.
Molecular consequence: missense variant.
Genome position (GRCh38, 1-based): chr14:45,170,716, T>G. VCF-style: chr14-45170716-T-G. GRCh37 (hg19) VCF-style: chr14-45639919-T-G.
Other names: c.2052T>G, p.Phe684Leu (NM_001308133.2); short protein forms F684L, F710L.
Identifiers: ClinVar variation 2631693 (VCV002631693.1), dbSNP rs764723328, ClinGen allele CA7169236.